The following is an entry in ClinVar:

NM_152743.4(BRAT1):c.1506C>A (p.Phe502Leu)

Gene: BRAT1 (BRCA1 associated ATM activator 1; minus strand). Cytogenetic location: 7p22.3.
Variant type: single nucleotide variant.
Coding change: c.1506C>A on transcript NM_152743.4 (MANE Select); coding-DNA position 1506, C replaced by A.
Protein change: p.Phe502Leu; replaces phenylalanine 502 with leucine.
Molecular consequence: missense variant. On other transcripts: non-coding transcript variant (1).
Genome position (GRCh38, 1-based): chr7:2,539,635, G>T on the plus strand (C>A on the coding strand, the complement: BRAT1 is on the minus strand). VCF-style: chr7-2539635-G-T. GRCh37 (hg19) VCF-style: chr7-2579269-G-T.
Other names: c.1506C>A, p.Phe502Leu (NM_001350626.2); c.981C>A, p.Phe327Leu (NM_001350627.2); short protein forms F502L, F327L.
Identifiers: ClinVar variation 937748 (VCV000937748.9), dbSNP rs754789952, ClinGen allele CA4127704.

ClinVar aggregate classification (germline): Conflicting classifications of pathogenicity. Review status: criteria provided, conflicting classifications (1 of 4 stars). 2 submissions from 2 submitters: Uncertain significance (1); Likely benign (1). Last evaluated 2025-08-15.

Conditions:
Inborn genetic diseases. Identifiers: MedGen C0950123, MeSH D030342.
Neonatal-onset encephalopathy with rigidity and seizures. Also called: Lethal neonatal spasticity-epileptic encephalopathy syndrome. Identifiers: Orphanet 435845, MedGen C3281029, MONDO:0013784, OMIM 614498.

Allele frequency attached by ClinVar (database versions not stated): gnomAD exomes 0.00001; TOPMed 0.00001; ExAC 0.00005.
gnomAD v4.1: 23 of 1,594,022 alleles (0.0014%); highest among the groups gnomAD compares: South Asian, 0.0034%; no homozygotes.

Submissions (2):

Labcorp Genetics (formerly Invitae), Labcorp
Classification: Uncertain significance for Neonatal-onset encephalopathy with rigidity and seizures. Last evaluated: 2025-08-15. Review status: criteria provided, single submitter. Criteria: Invitae Variant Classification Sherloc (09022015). Collection method: clinical testing. Allele origin: germline.
Comment: This sequence change replaces phenylalanine, which is neutral and non-polar, with leucine, which is neutral and non-polar, at codon 502 of the BRAT1 protein (p.Phe502Leu). The frequency data for this variant in the population databases is considered unreliable, as metrics indicate poor data quality at this position in the gnomAD database. This variant has not been reported in the literature in individuals affected with BRAT1-related conditions. ClinVar contains an entry for this variant (Variation ID: 937748). Invitae Evidence Modeling of protein sequence and biophysical properties (such as structural, functional, and spatial information, amino acid conservation, physicochemical variation, residue mobility, and thermodynamic stability) indicates that this missense variant is not expected to disrupt BRAT1 protein function with a negative predictive value of 95%. In summary, the available evidence is currently insufficient to determine the role of this variant in disease. Therefore, it has been classified as a Variant of Uncertain Significance.

Ambry Genetics
Classification: Likely benign for Inborn genetic diseases. Last evaluated: 2025-02-07. Review status: criteria provided, single submitter. Criteria: Ambry Variant Classification Scheme 2023. Collection method: clinical testing. Allele origin: germline.